The following is an entry in ClinVar:

NM_002017.5(FLI1):c.1080del (p.Phe360fs)

Gene: FLI1 (Fli-1 proto-oncogene, ETS transcription factor; plus strand). Cytogenetic location: 11q24.3.
Variant type: Deletion.
Coding change: c.1080del on transcript NM_002017.5 (MANE Select); coding-DNA position 1080, one base deleted (T; older notation c.1080delT).
Protein change: p.Phe360fs; shifts the reading frame from phenylalanine 360.
Molecular consequence: frameshift variant.
Genome position (GRCh38, 1-based): chr11:128,810,709, T deleted; the last of 3 consecutive T bases (chr11:128,810,707-128,810,709); deleting any one gives the same sequence. VCF-style (leftmost placement, unchanged base first): chr11-128810706-AT-A. GRCh37 (hg19) VCF-style: chr11-128680601-AT-A.
Other names: c.981del, p.Phe327fs (NM_001167681.3); c.882del, p.Phe294fs (NM_001271010.2); c.501del, p.Phe167fs (NM_001271012.2); short protein forms F167fs, F294fs, F327fs, F360fs.
Identifiers: ClinVar variation 4056821 (VCV004056821.1).

ClinVar aggregate classification (germline): Uncertain significance (1 of 4 stars; one submission).

Submission:

GeneDx
Classification: Uncertain significance. Last evaluated: 2025-01-14. Review status: criteria provided, single submitter. Criteria: GeneDx Variant Classification Process June 2021. Collection method: clinical testing. Allele origin: germline. Affected: yes.
Comment: Not observed at significant frequency in large population cohorts (gnomAD); Frameshift variant predicted to result in abnormal protein length as the last 93 amino acids are replaced with 38 different amino acids with an unclear effect on protein function; Has not been previously published as pathogenic or benign to our knowledge